The following is an entry in ClinVar:

ClinVar aggregate classification (germline): Benign (1 of 4 stars; one submission).

Conditions:
Pheochromocytoma/paraganglioma syndrome 4. Also called: CAROTID BODY TUMORS AND MULTIPLE EXTRAADRENAL PHEOCHROMOCYTOMAS; PARAGANGLIOMA, FAMILIAL MALIGNANT; PARAGANGLIOMAS, HEREDITARY EXTRAADRENAL; PHEOCHROMOCYTOMA, FAMILIAL EXTRAADRENAL; Paragangliomas 4; SDHB-Related Hereditary Paraganglioma-Pheochromocytoma Syndrome (Paragangliomas 4). Identifiers: Orphanet 29072, MedGen C1861848, MONDO:0007273, OMIM 115310.

Submission:

Myriad Genetics, Inc.
Classification: Benign for Pheochromocytoma/paraganglioma syndrome 4. Last evaluated: 2025-03-13. Review status: criteria provided, single submitter. Criteria: Myriad Autosomal Dominant, Autosomal Recessive and X-Linked Classification Criteria (2023). Collection method: clinical testing. Allele origin: unknown.
Comment: This variant is considered benign. This variant occurs in the non-coding 3' untranslated region of the gene, and is not expected to impact protein function.

NM_003000.3(SDHB):c.*9A>G

Gene: SDHB (succinate dehydrogenase complex iron sulfur subunit B; minus strand). Cytogenetic location: 1p36.13.
Variant type: single nucleotide variant.
Coding change: c.*9A>G on transcript NM_003000.3 (MANE Select); 9 bases downstream of the stop codon, A replaced by G.
Molecular consequence: 3 prime UTR variant.
Genome position (GRCh38, 1-based): chr1:17,018,872, T>C on the plus strand (A>G on the coding strand, the complement: SDHB is on the minus strand). VCF-style: chr1-17018872-T-C. GRCh37 (hg19) VCF-style: chr1-17345367-T-C.
Other names: c.*9A>G (NM_001407361.1).
Identifiers: ClinVar variation 3904599 (VCV003904599.1).